The following is an entry in ClinVar:

NM_001199107.2(TBC1D24):c.1555G>T (p.Asp519Tyr)

Gene: TBC1D24 (TBC1 domain family member 24; plus strand). Cytogenetic location: 16p13.3.
Variant type: single nucleotide variant.
Coding change: c.1555G>T on transcript NM_001199107.2 (MANE Select); coding-DNA position 1555, G replaced by T.
Protein change: p.Asp519Tyr; replaces aspartic acid 519 with tyrosine.
Molecular consequence: missense variant.
Genome position (GRCh38, 1-based): chr16:2,500,833, G>T. VCF-style: chr16-2500833-G-T. GRCh37 (hg19) VCF-style: chr16-2550834-G-T.
Other names: c.1537G>T, p.Asp513Tyr (NM_020705.3); short protein forms D513Y, D519Y.
Identifiers: ClinVar variation 3759158 (VCV003759158.2).

ClinVar aggregate classification (germline): Uncertain significance (1 of 4 stars; one submission).

Conditions:
Autosomal dominant nonsyndromic hearing loss 65. Also called: Deafness, autosomal dominant 65; TBC1D24-Related Autosomal Dominant Nonsyndromic Hearing Loss (DFNA). Identifiers: Orphanet 90635, MedGen C3892048, MONDO:0014470, OMIM 616044.
Developmental and epileptic encephalopathy, 1 (DEE1). Also called: INFANTILE SPASM SYNDROME, X-LINKED 1; X-linked infantile spasms; West's syndrome; Tonic spasms with clustering, arrest of psychomotor development and hypsarrhythmia on EEG; X-Linked Infantile Spasm Syndrome; OHTAHARA SYNDROME, X-LINKED. Identifiers: MedGen C3463992, MONDO:0010632, OMIM 308350. Disease mechanism: loss of function.

gnomAD v4.1: 2 of 1,608,246 alleles (0.00012%); highest among the groups gnomAD compares: South Asian, 0.0022%; no homozygotes.

Submission:

Labcorp Genetics (formerly Invitae), Labcorp
Classification: Uncertain significance for Developmental and epileptic encephalopathy, 1; Autosomal dominant nonsyndromic hearing loss 65. Last evaluated: 2025-01-12. Review status: criteria provided, single submitter. Criteria: Invitae Variant Classification Sherloc (09022015). Collection method: clinical testing. Allele origin: germline.
Comment: This sequence change replaces aspartic acid, which is acidic and polar, with tyrosine, which is neutral and polar, at codon 519 of the TBC1D24 protein (p.Asp519Tyr). This variant is not present in population databases (gnomAD no frequency). This variant has not been reported in the literature in individuals affected with TBC1D24-related conditions. Invitae Evidence Modeling of protein sequence and biophysical properties (such as structural, functional, and spatial information, amino acid conservation, physicochemical variation, residue mobility, and thermodynamic stability) indicates that this missense variant is expected to disrupt TBC1D24 protein function with a positive predictive value of 95%. In summary, the available evidence is currently insufficient to determine the role of this variant in disease. Therefore, it has been classified as a Variant of Uncertain Significance.